The following is an entry in ClinVar:

NM_000303.3(PMM2):c.563A>G (p.Asp188Gly)

Gene: PMM2 (phosphomannomutase 2; plus strand). Cytogenetic location: 16p13.2.
Variant type: single nucleotide variant.
Coding change: c.563A>G on transcript NM_000303.3 (MANE Select); coding-DNA position 563, A replaced by G.
Protein change: p.Asp188Gly; replaces aspartic acid 188 with glycine.
Molecular consequence: missense variant.
Genome position (GRCh38, 1-based): chr16:8,813,030, A>G. VCF-style: chr16-8813030-A-G. GRCh37 (hg19) VCF-style: chr16-8906887-A-G.
Other names: short protein forms D188G.
Identifiers: ClinVar variation 7712 (VCV000007712.23), dbSNP rs80338704, ClinGen allele CA234697.
Genomic context (GRCh38, chr16:8,813,030, plus strand): 5'-TGCCCCGTCCCCACCCGGCAGGAGGCCAGATCAGCTTTGATGTCTTTCCTGATGGATGGG[A>G]CAAGAGATACTGTCTGCGACATGTGGAAAATGACGGTTATAAGACCATTTATTTCTTTGG-3'
Protein context (NP_000294.1, residues 178-198): ISFDVFPDGW[Asp188Gly]KRYCLRHVEN

ClinVar aggregate classification (germline): Pathogenic/Likely pathogenic. Review status: criteria provided, multiple submitters, no conflicts (2 of 4 stars). 10 submissions from 10 submitters: Pathogenic (5); Likely pathogenic (1). 4 of the submissions do not count toward it. Last evaluated 2026-06-29.

Conditions:
PMM2-congenital disorder of glycosylation. Also called: JAEKEN SYNDROME; CDG Ia; Congenital disorder of glycosylation, type Ia; PHOSPHOMANNOMUTASE 2 DEFICIENCY; CARBOHYDRATE-DEFICIENT GLYCOPROTEIN SYNDROME, TYPE Ia; PMM2-CDG. Identifiers: Orphanet 79318, MedGen C0349653, MONDO:0008907, OMIM 212065.

Allele frequency attached by ClinVar (database versions not stated): gnomAD exomes below 0.00001 and 0.00001; ExAC 0.00001; gnomAD 0.00001.

Submissions (10):

Myriad Genetics, Inc.
Classification: Likely pathogenic for PMM2-congenital disorder of glycosylation. Last evaluated: 2026-06-29. Review status: criteria provided, single submitter. Criteria: Myriad Autosomal Dominant, Autosomal Recessive and X-Linked Classification Criteria (2023). Collection method: clinical testing. Allele origin: unknown.
Comment: NM_000303.2(PMM2):c.563A>G(D188G) is a missense variant classified as likely pathogenic in the context of congenital disorder of glycosylation, PMM2-related. D188G has been observed in cases with relevant disease (PMID: 9497260, 18571450, 39105373, 27415628). Relevant functional assessments of this variant are not available in the literature. D188G has been observed in referenced population frequency databases. In summary, NM_000303.2(PMM2):c.563A>G(D188G) is a missense variant that has been observed more frequently in cases with the relevant disease than in healthy populations. Please note: this variant was assessed in the context of healthy population screening.

Natera, Inc.
Classification: Pathogenic for Congenital disorder of glycosylation type 1a. Last evaluated: 2024-06-11. Review status: criteria provided, single submitter. Criteria: Natera Variant Classification Schema (03/2026). Collection method: clinical testing. Allele origin: germline.
Comment: The c.563A>G variant in PMM2 is a missense variant predicted to cause substitution of aspartic acid to glycine at amino acid 188. This variant is rare in the general population with a frequency below the threshold expected for the associated phenotype(s). This variant has been observed in one or more individuals affected with the associated recessive disease, as either homozygous or compound heterozygous with a second variant (PMID: 9497260). Additionally, this variant has been observed to segregate in affected family members (PMID: 9497260). Computational prediction algorithms indicate this variant is likely to affect gene or protein function. Given the available evidence, this variant is classified as Pathogenic.

Labcorp Genetics (formerly Invitae), Labcorp
Classification: Pathogenic for PMM2-congenital disorder of glycosylation. Last evaluated: 2022-12-22. Review status: criteria provided, single submitter. Criteria: Invitae Variant Classification Sherloc (09022015). Collection method: clinical testing. Allele origin: germline.
Comment: Advanced modeling of protein sequence and biophysical properties (such as structural, functional, and spatial information, amino acid conservation, physicochemical variation, residue mobility, and thermodynamic stability) performed at Invitae indicates that this missense variant is expected to disrupt PMM2 protein function. ClinVar contains an entry for this variant (Variation ID: 7712). This missense change has been observed in individual(s) with PMM2-related conditions (PMID: 9497260, 24139637). This variant is present in population databases (rs80338704, gnomAD 0.01%). This sequence change replaces aspartic acid, which is acidic and polar, with glycine, which is neutral and non-polar, at codon 188 of the PMM2 protein (p.Asp188Gly). Experimental studies have shown that this missense change affects PMM2 function (PMID: 10386614). For these reasons, this variant has been classified as Pathogenic.

Women's Health and Genetics/Laboratory Corporation of America, LabCorp
Classification: Pathogenic for PMM2-congenital disorder of glycosylation. Last evaluated: 2021-09-29. Review status: criteria provided, single submitter. Criteria: LabCorp Variant Classification Summary - May 2015. Collection method: clinical testing. Allele origin: germline.
Comment: Variant summary: PMM2 c.563A>G (p.Asp188Gly) results in a non-conservative amino acid change in the encoded protein sequence. Five of five in-silico tools predict a damaging effect of the variant on protein function. The variant allele was found at a frequency of 4e-06 in 251478 control chromosomes. c.563A>G has been reported in the literature as a compound heterozygous genotype in multiple individuals affected with Congenital Disorder Of Glycosylation Type 1a (example, Matthijs_1998, de la Morena-Barrio_2013, Starosta_2021). These data indicate that the variant is very likely to be associated with disease. To our knowledge, no experimental evidence demonstrating an impact on protein function has been reported. Four clinical diagnostic laboratories have submitted clinical-significance assessments for this variant to ClinVar after 2014 without evidence for independent evaluation. All laboratories classified the variant as pathogenic/likely pathogenic. Based on the evidence outlined above, the variant was classified as pathogenic.

Genome Diagnostics Laboratory, University Medical Center Utrecht
Classification: Pathogenic for PMM2-congenital disorder of glycosylation. Last evaluated: 2017-07-28. Review status: criteria provided, single submitter. Criteria: ACGS Guidelines, 2013. Collection method: clinical testing. Allele origin: germline. Affected: yes. Study: VKGL Data-share Consensus.

Eurofins Ntd Llc (ga)
Classification: Pathogenic. Last evaluated: 2016-09-29. Review status: criteria provided, single submitter. Criteria: EGL Classification Definitions. Collection method: clinical testing. Allele origin: germline. Observed: 3 variant alleles, 3 heterozygotes.

Counsyl
Classification: Likely pathogenic for PMM2-congenital disorder of glycosylation. Last evaluated: 2018-04-12. Review status: no assertion criteria provided. Collection method: clinical testing. Allele origin: unknown. Not counted in ClinVar's aggregate classification.

OMIM
Classification: Pathogenic for CONGENITAL DISORDER OF GLYCOSYLATION, TYPE Ia. Last evaluated: 1998-03-01. Review status: no assertion criteria provided. Collection method: literature only. Allele origin: germline. Not counted in ClinVar's aggregate classification.

Diagnostic Laboratory, Department of Genetics, University Medical Center Groningen
Classification: Pathogenic for PMM2-congenital disorder of glycosylation. Review status: no assertion criteria provided. Collection method: clinical testing. Allele origin: germline. Affected: yes. Study: VKGL Data-share Consensus. Not counted in ClinVar's aggregate classification.

GeneReviews
No classification provided. Condition: PMM2-congenital disorder of glycosylation. Review status: no classification provided. Collection method: literature only. Allele origin: unknown. Not counted in ClinVar's aggregate classification.

Literature cited by the submitters: PubMed 18571450 (cited by Myriad Genetics, Inc. and Counsyl); PubMed 27415628 (cited by Myriad Genetics, Inc.); PubMed 39105373 (cited by Myriad Genetics, Inc.); PubMed 9497260 (cited by 7 submitters); PubMed 24139637 (cited by Labcorp Genetics (formerly Invitae), Labcorp and Women's Health and Genetics/Laboratory Corporation of America, LabCorp); PubMed 10386614 (cited by Labcorp Genetics (formerly Invitae), Labcorp and Counsyl); PubMed 33413482 (cited by Women's Health and Genetics/Laboratory Corporation of America, LabCorp); PubMed 16540464 (cited by Counsyl); PubMed 20301289 (cited by GeneReviews); NCBI Bookshelf NBK1110 (cited by GeneReviews).